The following is an entry in ClinVar:

ClinVar aggregate classification (germline): Uncertain significance (1 of 4 stars; one submission).

Allele frequency attached by ClinVar (database versions not stated): gnomAD 0.00001; gnomAD exomes 0.00001.
gnomAD v4.1: 7 of 1,614,044 alleles (0.00043%); highest among the groups gnomAD compares: Middle Eastern, 0.016%; no homozygotes.

Submission:

Labcorp Genetics (formerly Invitae), Labcorp
Classification: Uncertain significance. Last evaluated: 2021-12-15. Review status: criteria provided, single submitter. Criteria: Invitae Variant Classification Sherloc (09022015). Collection method: clinical testing. Allele origin: germline.
Comment: This sequence change replaces isoleucine, which is neutral and non-polar, with methionine, which is neutral and non-polar, at codon 1196 of the PRPF8 protein (p.Ile1196Met). This variant is present in population databases (no rsID available, gnomAD 0.003%). In summary, the available evidence is currently insufficient to determine the role of this variant in disease. Therefore, it has been classified as a Variant of Uncertain Significance. Algorithms developed to predict the effect of missense changes on protein structure and function are either unavailable or do not agree on the potential impact of this missense change (SIFT: "Deleterious"; PolyPhen-2: "Benign"; Align-GVGD: "Class C0"). This variant has not been reported in the literature in individuals affected with PRPF8-related conditions.

NM_006445.4(PRPF8):c.3588C>G (p.Ile1196Met)

Gene: PRPF8 (pre-mRNA processing factor 8; minus strand). Cytogenetic location: 17p13.3.
Variant type: single nucleotide variant.
Coding change: c.3588C>G on transcript NM_006445.4 (MANE Select); coding-DNA position 3588, C replaced by G.
Protein change: p.Ile1196Met; replaces isoleucine 1196 with methionine.
Molecular consequence: missense variant.
Genome position (GRCh38, 1-based): chr17:1,673,426, G>C on the plus strand (C>G on the coding strand, the complement: PRPF8 is on the minus strand). VCF-style: chr17-1673426-G-C. GRCh37 (hg19) VCF-style: chr17-1576720-G-C.
Other names: short protein forms I1196M.
Identifiers: ClinVar variation 1968116 (VCV001968116.5), dbSNP rs1240326935, ClinGen allele CA397539289.